The following is an entry in ClinVar:

NM_002528.7(NTHL1):c.554G>C (p.Ser185Thr)

Gene: NTHL1 (nth like DNA glycosylase 1; minus strand). Cytogenetic location: 16p13.3.
Variant type: single nucleotide variant.
Coding change: c.554G>C on transcript NM_002528.7 (MANE Select); coding-DNA position 554, G replaced by C.
Protein change: p.Ser185Thr; replaces serine 185 with threonine.
Molecular consequence: missense variant.
Genome position (GRCh38, 1-based): chr16:2,043,698, C>G on the plus strand (G>C on the coding strand, the complement: NTHL1 is on the minus strand). VCF-style: chr16-2043698-C-G. GRCh37 (hg19) VCF-style: chr16-2093699-C-G.
Other names: c.383G>C, p.Ser128Thr (NM_001318193.2); c.224G>C, p.Ser75Thr (NM_001318194.2); short protein forms S185T, S75T, S128T.
Identifiers: ClinVar variation 1749651 (VCV001749651.2), dbSNP rs767203248, ClinGen allele CA7828204.
Genomic context (GRCh38, chr16:2,043,698, plus strand): 5'-GCCACCAGCTCGGCCACAGAGGCTGGGATGTCCCCACCGTAGTGCTGCTGCAGGATGGCG[C>G]TGGTCTGCTTGATGTATTTCACCTTGCTCTGAAAGACAGGGGTGGGTTCAGCCTTGGAGG-3'
Protein context (NP_002519.2, residues 175-195): RSKVKYIKQT[Ser185Thr]AILQQHYGGD

ClinVar aggregate classification (germline): Uncertain significance (1 of 4 stars; one submission).

Conditions:
Hereditary cancer-predisposing syndrome. Also called: Hereditary Cancer Syndrome; Hereditary neoplastic syndrome; Neoplastic Syndromes, Hereditary; Tumor predisposition. Identifiers: Orphanet 140162, MedGen C0027672, MeSH D009386, MONDO:0015356.

Allele frequency attached by ClinVar (database versions not stated): ExAC 0.00001; gnomAD 0.00001.
gnomAD v4.1: 3 of 1,612,046 alleles (0.00019%); no homozygotes.

Submission:

Ambry Genetics
Classification: Uncertain significance for Hereditary cancer-predisposing syndrome. Last evaluated: 2021-06-13. Review status: criteria provided, single submitter. Criteria: Ambry Variant Classification Scheme 2023. Collection method: clinical testing. Allele origin: germline.
Comment: The p.S193T variant (also known as c.578G>C), located in coding exon 4 of the NTHL1 gene, results from a G to C substitution at nucleotide position 578. The serine at codon 193 is replaced by threonine, an amino acid with similar properties. This amino acid position is conserved. In addition, the in silico prediction for this alteration is inconclusive. Since supporting evidence is limited at this time, the clinical significance of this alteration remains unclear.